The following is an entry in ClinVar:

NM_001145809.2(MYH14):c.475G>A (p.Val159Met)

Gene: MYH14 (myosin heavy chain 14; plus strand). Cytogenetic location: 19q13.33.
Variant type: single nucleotide variant.
Coding change: c.475G>A on transcript NM_001145809.2 (MANE Select); coding-DNA position 475, G replaced by A.
Protein change: p.Val159Met; replaces valine 159 with methionine.
Molecular consequence: missense variant.
Genome position (GRCh38, 1-based): chr19:50,217,684, G>A. VCF-style: chr19-50217684-G-A. GRCh37 (hg19) VCF-style: chr19-50720941-G-A.
Other names: c.475G>A, p.Val159Met (NM_001077186.2, NM_024729.4); short protein forms V159M.
Identifiers: ClinVar variation 3903214 (VCV003903214.1).

ClinVar aggregate classification (germline): Uncertain significance (1 of 4 stars; one submission).

gnomAD v4.1: 1 of 1,614,028 alleles (0.000062%); highest among the groups gnomAD compares: East Asian, 0.0022%; no homozygotes.

Submission:

GeneDx
Classification: Uncertain significance. Last evaluated: 2024-12-10. Review status: criteria provided, single submitter. Criteria: GeneDx Variant Classification Process June 2021. Collection method: clinical testing. Allele origin: germline. Affected: yes.
Comment: Reported in a patient with hearing loss in published literature (PMID: 33724713); In silico analysis indicates that this missense variant does not alter protein structure/function; This variant is associated with the following publications: (PMID: 33724713)